The following is an entry in ClinVar:

NM_000632.4(ITGAM):c.2790C>T (p.Thr930=)

Gene: ITGAM (integrin subunit alpha M; plus strand). Cytogenetic location: 16p11.2.
Variant type: single nucleotide variant.
Coding change: c.2790C>T on transcript NM_000632.4 (MANE Select); coding-DNA position 2790, C replaced by T.
Protein change: p.Thr930=; no amino-acid change (threonine 930 retained).
Molecular consequence: synonymous variant.
Genome position (GRCh38, 1-based): chr16:31,328,228, C>T. VCF-style: chr16-31328228-C-T. GRCh37 (hg19) VCF-style: chr16-31339549-C-T.
Other names: c.2793C>T, p.Thr931= (NM_001145808.2).
Identifiers: ClinVar variation 4749723 (VCV004749723.1).

ClinVar aggregate classification (germline): Uncertain significance (1 of 4 stars; one submission).

gnomAD v4.1: 8 of 1,613,358 alleles (0.0005%); highest among the groups gnomAD compares: Admixed American, 0.005%; no homozygotes.

Submission:

Labcorp Genetics (formerly Invitae), Labcorp
Classification: Uncertain significance. Last evaluated: 2025-12-21. Review status: criteria provided, single submitter. Criteria: Invitae Variant Classification Sherloc (09022015). Collection method: clinical testing. Allele origin: germline.
Comment: This sequence change affects codon 930 of the ITGAM mRNA. It is a 'silent' change, meaning that it does not change the encoded amino acid sequence of the ITGAM protein. This variant is not present in population databases (gnomAD no frequency). This variant has not been reported in the literature in individuals affected with ITGAM-related conditions. Algorithms developed to predict the effect of sequence changes on RNA splicing suggest that this variant may disrupt the consensus splice site. In summary, the available evidence is currently insufficient to determine the role of this variant in disease. Therefore, it has been classified as a Variant of Uncertain Significance.